The following is an entry in ClinVar:

ClinVar aggregate classification (germline): Conflicting classifications of pathogenicity. Review status: criteria provided, conflicting classifications (1 of 4 stars). 3 submissions from 3 submitters: Uncertain significance (1); Likely benign (1). 1 of the submissions does not count toward it. Last evaluated 2023-12-21.

Conditions:
Polycystic kidney disease 4 (PKD4). Also called: POLYCYSTIC KIDNEY AND HEPATIC DISEASE 1; POLYCYSTIC KIDNEY DISEASE, INFANTILE, TYPE I; POLYCYSTIC KIDNEY DISEASE 4 WITH OR WITHOUT POLYCYSTIC LIVER DISEASE; PKD3; Autosomal Recessive Polycystic Kidney Disease – PKHD1. Identifiers: MedGen C4540575, MONDO:0033004, OMIM 263200.
Inborn genetic diseases. Identifiers: MedGen C0950123, MeSH D030342.
PKHD1-related disorder. Also called: PKHD1-related condition.

Allele frequency attached by ClinVar (database versions not stated): gnomAD 0.00001; TOPMed 0.00001; ExAC 0.00003; gnomAD exomes 0.00004.
gnomAD v4.1: 55 of 1,613,682 alleles (0.0034%); highest among the groups gnomAD compares: Admixed American, 0.0083%; no homozygotes.

Submissions (3):

Fulgent Genetics
Classification: Uncertain significance for Polycystic kidney disease 4. Last evaluated: 2023-12-21. Review status: criteria provided, single submitter. Criteria: ACMG Guidelines, 2015. Collection method: clinical testing. Allele origin: germline.

Ambry Genetics
Classification: Likely benign for Inborn genetic diseases. Last evaluated: 2022-11-17. Review status: criteria provided, single submitter. Criteria: Ambry Variant Classification Scheme 2023. Collection method: clinical testing. Allele origin: germline.

PreventionGenetics, part of Exact Sciences
Classification: Uncertain significance for PKHD1-related condition. Last evaluated: 2024-02-21. Review status: no assertion criteria provided. Collection method: clinical testing. Allele origin: germline. Not counted in ClinVar's aggregate classification.
Comment: The PKHD1 c.3184G>A variant is predicted to result in the amino acid substitution p.Ala1062Thr. To our knowledge, this variant has not been reported in the literature. This variant is reported in 0.014% of alleles in individuals of Latino descent in gnomAD. At this time, the clinical significance of this variant is uncertain due to the absence of conclusive functional and genetic evidence.

NM_138694.4(PKHD1):c.3184G>A (p.Ala1062Thr)

Gene: PKHD1 (PKHD1 ciliary IPT domain containing fibrocystin/polyductin; minus strand). Cytogenetic location: 6p12.2.
Variant type: single nucleotide variant.
Coding change: c.3184G>A on transcript NM_138694.4 (MANE Select); coding-DNA position 3184, G replaced by A.
Protein change: p.Ala1062Thr; replaces alanine 1062 with threonine.
Molecular consequence: missense variant.
Genome position (GRCh38, 1-based): chr6:52,035,635, C>T on the plus strand (G>A on the coding strand, the complement: PKHD1 is on the minus strand). VCF-style: chr6-52035635-C-T. GRCh37 (hg19) VCF-style: chr6-51900433-C-T.
Other names: c.3184G>A, p.Ala1062Thr (NM_170724.3); short protein forms A1062T.
Identifiers: ClinVar variation 2225773 (VCV002225773.5), dbSNP rs781516934, ClinGen allele CA3853014.